The following is an entry in ClinVar:

NM_198576.4(AGRN):c.511+132G>A

Gene: AGRN (agrin; plus strand). Cytogenetic location: 1p36.33.
Variant type: single nucleotide variant.
Coding change: c.511+132G>A on transcript NM_198576.4 (MANE Select); 132 bases into the intron after coding-DNA position 511, G replaced by A.
Molecular consequence: intron variant.
Genome position (GRCh38, 1-based): chr1:1,035,456, G>A. VCF-style: chr1-1035456-G-A. GRCh37 (hg19) VCF-style: chr1-970836-G-A.
Other names: c.511+132G>A (NM_001305275.2); c.196+132G>A (NM_001364727.2).
Identifiers: ClinVar variation 678944 (VCV000678944.2), dbSNP rs112116228, ClinGen allele CA10917747.
Genomic context (GRCh38, chr1:1,035,456, plus strand): 5'-GTGCACCCAGACGTGTGGAGTGTGTCTGGAGTGAGGAGGAGGCTGGACAAGGGCACCTGC[G>A]TCTGTCCTGGGAGTCCGCAGCGGTGGGCCGCAGTAGGAACTCGGGGTCTAGAGGCCGCCG-3'

ClinVar aggregate classification (germline): Benign. Review status: criteria provided, multiple submitters, no conflicts (2 of 4 stars). 2 submissions from 2 submitters: Benign (2). Last evaluated 2018-06-19.

Allele frequency attached by ClinVar (database versions not stated): 1000 Genomes Project 0.04213; gnomAD 0.04489 and 0.04843; 1000 Genomes Project 30x 0.04560; TOPMed 0.04915.
gnomAD v4.1: 12,892 of 1,262,540 alleles (1%); highest among the groups gnomAD compares: African/African-American, 15%; 765 homozygotes.

Submissions (2):

GeneDx
Classification: Benign. Last evaluated: 2018-06-19. Review status: criteria provided, single submitter. Criteria: GeneDx Variant Classification (06012015). Collection method: clinical testing. Allele origin: germline. Affected: yes.
Comment: This variant is considered likely benign or benign based on one or more of the following criteria: it is a conservative change, it occurs at a poorly conserved position in the protein, it is predicted to be benign by multiple in silico algorithms, and/or has population frequency not consistent with disease.

Breakthrough Genomics
Classification: Benign. Review status: criteria provided, single submitter. Criteria: ACMG Guidelines, 2015. Collection method: not provided. Allele origin: germline. Inheritance: Autosomal recessive inheritance. Affected: yes.